The following is an entry in ClinVar:

ClinVar aggregate classification (germline): Likely pathogenic (1 of 4 stars; one submission).

Conditions:
Retinitis pigmentosa 41 (RP41). Also called: RETINAL DEGENERATION, AUTOSOMAL RECESSIVE, PROMININ-RELATED. Identifiers: Orphanet 791, MedGen C2677516, MONDO:0012796, OMIM 612095.

Submission:

3billion
Classification: Likely pathogenic for Retinitis pigmentosa 41. Last evaluated: 2023-09-01. Review status: criteria provided, single submitter. Criteria: ACMG Guidelines, 2015. Collection method: clinical testing. Allele origin: germline. Affected: yes.
Comment: The variant is not observed in the gnomAD v2.1.1 dataset. Predicted Consequence/Location: Stop-gained (nonsense): predicted to result in a loss or disruption of normal protein function through nonsense-mediated decay (NMD) or protein truncation. Multiple pathogenic variants are reported downstream of the variant. Therefore, this variant is classified as Likely pathogenic according to the recommendation of ACMG/AMP guideline.

NM_006017.3(PROM1):c.1356C>A (p.Tyr452Ter)

Gene: PROM1 (prominin 1; minus strand). Cytogenetic location: 4p15.32.
Variant type: single nucleotide variant.
Coding change: c.1356C>A on transcript NM_006017.3 (MANE Select); coding-DNA position 1356, C replaced by A.
Protein change: p.Tyr452Ter; replaces tyrosine 452 with a stop codon.
Molecular consequence: nonsense.
Genome position (GRCh38, 1-based): chr4:16,006,636, G>T on the plus strand (C>A on the coding strand, the complement: PROM1 is on the minus strand). VCF-style: chr4-16006636-G-T. GRCh37 (hg19) VCF-style: chr4-16008259-G-T.
Other names: c.1329C>A, p.Tyr443Ter (NM_001145847.2, NM_001145848.2, NM_001145851.2 and 4 more transcripts); c.1356C>A, p.Tyr452Ter (NM_001145849.2, NM_001145850.2); short protein forms Y443*, Y452*.
Identifiers: ClinVar variation 3776076 (VCV003776076.1).